The following is an entry in ClinVar:

NM_000395.3(CSF2RB):c.514G>C (p.Glu172Gln)

Gene: CSF2RB (colony stimulating factor 2 receptor subunit beta; plus strand). Cytogenetic location: 22q12.3.
Variant type: single nucleotide variant.
Coding change: c.514G>C on transcript NM_000395.3 (MANE Select); coding-DNA position 514, G replaced by C.
Protein change: p.Glu172Gln; replaces glutamic acid 172 with glutamine.
Molecular consequence: missense variant.
Genome position (GRCh38, 1-based): chr22:36,929,524, G>C. VCF-style: chr22-36929524-G-C. GRCh37 (hg19) VCF-style: chr22-37325566-G-C.
Other names: c.514G>C, p.Glu172Gln (NM_001410827.1); short protein forms E172Q.
Identifiers: ClinVar variation 4745555 (VCV004745555.1).

ClinVar aggregate classification (germline): Uncertain significance (1 of 4 stars; one submission).

Submission:

Labcorp Genetics (formerly Invitae), Labcorp
Classification: Uncertain significance. Last evaluated: 2025-03-20. Review status: criteria provided, single submitter. Criteria: Invitae Variant Classification Sherloc (09022015). Collection method: clinical testing. Allele origin: germline.
Comment: This sequence change replaces glutamic acid, which is acidic and polar, with glutamine, which is neutral and polar, at codon 172 of the CSF2RB protein (p.Glu172Gln). This variant is not present in population databases (gnomAD no frequency). This variant has not been reported in the literature in individuals affected with CSF2RB-related conditions. Invitae Evidence Modeling of protein sequence and biophysical properties (such as structural, functional, and spatial information, amino acid conservation, physicochemical variation, residue mobility, and thermodynamic stability) indicates that this missense variant is expected to disrupt CSF2RB protein function with a positive predictive value of 80%. In summary, the available evidence is currently insufficient to determine the role of this variant in disease. Therefore, it has been classified as a Variant of Uncertain Significance.